The following is an entry in ClinVar:

ClinVar aggregate classification (germline): Uncertain significance (1 of 4 stars; one submission).

Conditions:
Infantile-onset X-linked spinal muscular atrophy. Also called: Spinal Muscular Atrophy, X-Linked Infantile; Spinal muscular atrophy, X-linked 2; AMC, DISTAL, X-LINKED; ARTHROGRYPOSIS, X-LINKED, TYPE I; SPINAL MUSCULAR ATROPHY, X-LINKED LETHAL INFANTILE. Identifiers: Orphanet 1145, MedGen C1844934, MONDO:0010532, OMIM 301830.

Submission:

Labcorp Genetics (formerly Invitae), Labcorp
Classification: Uncertain significance for Infantile-onset X-linked spinal muscular atrophy. Last evaluated: 2024-05-23. Review status: criteria provided, single submitter. Criteria: Invitae Variant Classification Sherloc (09022015). Collection method: clinical testing. Allele origin: germline.
Comment: This sequence change replaces asparagine, which is neutral and polar, with serine, which is neutral and polar, at codon 606 of the UBA1 protein (p.Asn606Ser). This variant is not present in population databases (gnomAD no frequency). This variant has not been reported in the literature in individuals affected with UBA1-related conditions. An algorithm developed to predict the effect of missense changes on protein structure and function (PolyPhen-2) suggests that this variant is likely to be disruptive. In summary, the available evidence is currently insufficient to determine the role of this variant in disease. Therefore, it has been classified as a Variant of Uncertain Significance.

NM_003334.4(UBA1):c.1817A>G (p.Asn606Ser)

Gene: UBA1 (ubiquitin like modifier activating enzyme 1; plus strand). Cytogenetic location: Xp11.3.
Variant type: single nucleotide variant.
Coding change: c.1817A>G on transcript NM_003334.4 (MANE Select); coding-DNA position 1817, A replaced by G.
Protein change: p.Asn606Ser; replaces asparagine 606 with serine.
Molecular consequence: missense variant.
Genome position (GRCh38, 1-based): chrX:47,206,323, A>G. VCF-style: chrX-47206323-A-G. GRCh37 (hg19) VCF-style: chrX-47065722-A-G.
Other names: c.1817A>G, p.Asn606Ser (NM_153280.3); short protein forms N606S.
Identifiers: ClinVar variation 3699200 (VCV003699200.2).